The following is an entry in ClinVar:

NM_016628.5(WAC):c.736G>C (p.Val246Leu)

Gene: WAC (WW domain containing adaptor with coiled-coil; plus strand). Cytogenetic location: 10p12.1.
Variant type: single nucleotide variant.
Coding change: c.736G>C on transcript NM_016628.5 (MANE Select); coding-DNA position 736, G replaced by C.
Protein change: p.Val246Leu; replaces valine 246 with leucine.
Molecular consequence: missense variant. On other transcripts: intron variant (1).
Genome position (GRCh38, 1-based): chr10:28,595,858, G>C. VCF-style: chr10-28595858-G-C. GRCh37 (hg19) VCF-style: chr10-28884787-G-C.
Other names: c.601G>C, p.Val201Leu (NM_100264.3); c.610+5026G>C (NM_100486.4); short protein forms V201L, V246L.
Identifiers: ClinVar variation 1214524 (VCV001214524.6), dbSNP rs369249829, ClinGen allele CA5454876.

ClinVar aggregate classification (germline): Likely benign. Review status: criteria provided, multiple submitters, no conflicts (2 of 4 stars). 3 submissions from 3 submitters: Likely benign (2). 1 of the submissions does not count toward it. Last evaluated 2025-11-06.

Conditions:
WAC-related disorder. Also called: WAC-related condition.
Inborn genetic diseases. Identifiers: MedGen C0950123, MeSH D030342.

Allele frequency attached by ClinVar (database versions not stated): ExAC 0.00004; ESP Exome Variant Server 0.00008; gnomAD 0.00008; gnomAD exomes 0.00006; TOPMed 0.00009.
gnomAD v4.1: 179 of 1,614,024 alleles (0.011%); highest among the groups gnomAD compares: Non-Finnish European, 0.014%; no homozygotes.

Submissions (3):

Ambry Genetics
Classification: Likely benign for Inborn genetic diseases. Last evaluated: 2025-11-06. Review status: criteria provided, single submitter. Criteria: Ambry Variant Classification Scheme 2023. Collection method: clinical testing. Allele origin: germline.

GeneDx
Classification: Likely benign. Last evaluated: 2020-11-17. Review status: criteria provided, single submitter. Criteria: GeneDx Variant Classification Process June 2021. Collection method: clinical testing. Allele origin: germline. Affected: yes.

PreventionGenetics, part of Exact Sciences
Classification: Likely benign for WAC-related condition. Last evaluated: 2023-09-14. Review status: no assertion criteria provided. Collection method: clinical testing. Allele origin: germline. Not counted in ClinVar's aggregate classification.
Comment: This variant is classified as likely benign based on ACMG/AMP sequence variant interpretation guidelines (Richards et al. 2015 PMID: 25741868, with internal and published modifications).